The following is an entry in ClinVar:

NM_004656.4(BAP1):c.1308A>C (p.Gln436His)

Gene: BAP1 (BRCA1 associated deubiquitinase 1; minus strand). Cytogenetic location: 3p21.1.
Variant type: single nucleotide variant.
Coding change: c.1308A>C on transcript NM_004656.4 (MANE Select); coding-DNA position 1308, A replaced by C.
Protein change: p.Gln436His; replaces glutamine 436 with histidine.
Molecular consequence: missense variant.
Genome position (GRCh38, 1-based): chr3:52,403,837, T>G on the plus strand (A>C on the coding strand, the complement: BAP1 is on the minus strand). VCF-style: chr3-52403837-T-G. GRCh37 (hg19) VCF-style: chr3-52437853-T-G.
Other names: short protein forms Q436H.
Identifiers: ClinVar variation 1054653 (VCV001054653.5), dbSNP rs202038162, ClinGen allele CA353102203.

ClinVar aggregate classification (germline): Uncertain significance (1 of 4 stars; one submission).

Conditions:
BAP1-related tumor predisposition syndrome (TPDS1). Also called: COMMON Syndrome; TUMOR PREDISPOSITION SYNDROME 1; BAP1 tumor predisposition syndrome; Tumor susceptibility linked to germline BAP1 mutations. Identifiers: Orphanet 289539, MedGen C3280492, MONDO:0013692, OMIM 614327.

Submission:

Labcorp Genetics (formerly Invitae), Labcorp
Classification: Uncertain significance for BAP1-related tumor predisposition syndrome. Last evaluated: 2022-08-28. Review status: criteria provided, single submitter. Criteria: Invitae Variant Classification Sherloc (09022015). Collection method: clinical testing. Allele origin: germline.
Comment: This sequence change replaces glutamine, which is neutral and polar, with histidine, which is basic and polar, at codon 436 of the BAP1 protein (p.Gln436His). This variant is not present in population databases (gnomAD no frequency). This variant has not been reported in the literature in individuals affected with BAP1-related conditions. ClinVar contains an entry for this variant (Variation ID: 1054653). Algorithms developed to predict the effect of missense changes on protein structure and function are either unavailable or do not agree on the potential impact of this missense change (SIFT: "Deleterious"; PolyPhen-2: "Possibly Damaging"; Align-GVGD: "Class C0"). In summary, the available evidence is currently insufficient to determine the role of this variant in disease. Therefore, it has been classified as a Variant of Uncertain Significance.